The following is an entry in ClinVar:

ClinVar aggregate classification (germline): Likely benign (1 of 4 stars; one submission).

Submission:

CeGaT Center for Human Genetics Tuebingen
Classification: Likely benign. Last evaluated: 2026-05-01. Review status: criteria provided, single submitter. Criteria: CeGaT Center For Human Genetics Tuebingen Variant Classification Criteria Version 2. Collection method: clinical testing. Allele origin: germline. Affected: yes. Observed: 1 variant allele.
Comment: ONECUT3: PM2:Supporting, BP4, BP7

NM_001080488.2(ONECUT3):c.612C>T (p.Asn204=)

Gene: ONECUT3 (one cut homeobox 3; plus strand). Cytogenetic location: 19p13.3.
Variant type: single nucleotide variant.
Coding change: c.612C>T on transcript NM_001080488.2 (MANE Select); coding-DNA position 612, C replaced by T.
Protein change: p.Asn204=; no amino-acid change (asparagine 204 retained).
Molecular consequence: synonymous variant.
Genome position (GRCh38, 1-based): chr19:1,754,274, C>T. VCF-style: chr19-1754274-C-T. GRCh37 (hg19) VCF-style: chr19-1754273-C-T.
Identifiers: ClinVar variation 4873849 (VCV004873849.2).